The following is an entry in ClinVar:

ClinVar aggregate classification (germline): Likely pathogenic (1 of 4 stars; one submission).

Submission:

Genetic Services Laboratory, University of Chicago
Classification: Likely pathogenic. Last evaluated: 2021-10-26. Review status: criteria provided, single submitter. Criteria: ACMG Guidelines, 2015. Collection method: clinical testing. Allele origin: germline. Affected: yes.
Comment: DNA sequence analysis of the MYH7 gene demonstrated a 20 base pair deletion in the intron 34/exon 35 junction region, c.4954-15_4958del. This deletion abolishes the acceptor splice site and is predicted to result in skipping of exon 35. A skipping of exon 35 is predicted to result in an in-frame product. Other splice site variants that affect exons 38 and 39 and are predicted to result in in-frame products have been described in patients with myopathy (PMID 27387980, 29792937). This variant does not appear to have been previously described in patients with MYH7-related disorders and has also not been described in population databases (gnomAD, ExAC). Collectively, these evidences indicate that this sequence change is likely pathogenic, however functional studies have not been performed to prove this conclusively.

NM_000257.4(MYH7):c.4954-15_4958del

Genes: MHRT (myosin heavy chain associated RNA transcript; plus strand), MYH7 (myosin heavy chain 7; minus strand), LOC126861897 (BRD4-independent group 4 enhancer GRCh37_chr14:23884455-23885654; plus strand). Cytogenetic location: 14q11.2.
Variant type: Deletion.
Coding change: c.4954-15_4958del on transcript NM_000257.4 (MANE Select); 15 bases into the intron before coding-DNA position 4954 through coding-DNA position 4958, 20 bases deleted (TCTCCTGATCCTCAGGACAC).
Molecular consequence: splice acceptor variant.
Genome position (GRCh38, 1-based): chr14:23,415,828-23,415,847, GTGTCCTGAGGATCAGGAGA deleted on the plus strand (TCTCCTGATCCTCAGGACAC on the coding strand, the reverse complement: MYH7 is on the minus strand); deleting any 20 consecutive bases within chr14:23,415,828-23,415,850 gives the same sequence; the c. name uses the placement nearest the transcript's 3' end. VCF-style (leftmost placement, unchanged base first): chr14-23415827-GGTGTCCTGAGGATCAGGAGA-G. GRCh37 (hg19) VCF-style: chr14-23885036-GGTGTCCTGAGGATCAGGAGA-G.
Identifiers: ClinVar variation 1335943 (VCV001335943.4), dbSNP rs2138640908, ClinGen allele CA2573053877.
Genomic context (GRCh38, chr14:23,415,827, plus strand): 5'-GATGGCGATGTTCTCCTTCAGGTCGTCGTTGGCACGGACTGCATCGTCCAGCTGAATCTG[GGTGTCCTGAGGATCAGGAGA>G]GTGGGCATGAGCAGGGAGCCAGCCTCGGTTCCCTTCACTAAAGGCACCTGTCAGAGGTCC-3'